The following is an entry in ClinVar:

ClinVar aggregate classification (germline): Uncertain significance (1 of 4 stars; one submission).

Conditions:
Intellectual developmental disorder, autosomal dominant 1. Also called: Intellectual disability, autosomal dominant 1; MBD5 Haploinsufficiency. Identifiers: Orphanet 228402, MedGen C1969562, MONDO:0007974, OMIM 156200.

Submission:

Victorian Clinical Genetics Services, Murdoch Childrens Research Institute
Classification: Uncertain significance for Intellectual developmental disorder, autosomal dominant 1. Last evaluated: 2020-05-25. Review status: criteria provided, single submitter. Criteria: ACMG Guidelines, 2015. Collection method: clinical testing. Allele origin: germline. Inheritance: Autosomal dominant inheritance.
Comment: Based on the classification scheme VCGS_Germline_v1.1.1, this variant is classified as 3B-VUS. Following criteria are met: 0102 - Loss-of-function is a known mechanism of disease for this gene. (N) 0107 - This gene is known to be associated with autosomal dominant disease. (N) 0112 - Variants in this gene are known to have reduced penetrance (GeneReview). (N) 0200 - Variant is predicted to result in a missense amino acid change from aspartic acid to glycine (exon8). (N) 0251 - Variant is heterozygous. (N) 0301 - Variant is absent from gnomAD. (P) 0502 - Missense variant with conflicting in-silico predictions and/or uninformative conservation. (N) 0604 - Variant is not located in an established domain, motif, hotspot or informative constraint region. (N) 0705 - No comparable variants have previous evidence for pathogenicity. (N) 0807 - Variant has not previously been reported in a clinical context. (N) 0905 - No segregation evidence has been identified for this variant. (N) 1007 - No published functional evidence has been identified for this variant. (N) 1208 - Inheritance information for this variant is not currently available. (N) Legend: (P) - Pathogenic, (N) - Neutral, (B) - Benign

NM_001378120.1(MBD5):c.278A>G (p.Asp93Gly)

Gene: MBD5 (methyl-CpG binding domain protein 5; plus strand). Cytogenetic location: 2q23.1.
Variant type: single nucleotide variant.
Coding change: c.278A>G on transcript NM_001378120.1 (MANE Select); coding-DNA position 278, A replaced by G.
Protein change: p.Asp93Gly; replaces aspartic acid 93 with glycine.
Molecular consequence: missense variant.
Genome position (GRCh38, 1-based): chr2:148,463,800, A>G. VCF-style: chr2-148463800-A-G. GRCh37 (hg19) VCF-style: chr2-149221369-A-G.
Other names: c.278A>G, p.Asp93Gly (NM_018328.5); short protein forms D93G.
Identifiers: ClinVar variation 1806278 (VCV001806278.1), dbSNP rs2469818446, ClinGen allele CA348716446.